The following is an entry in ClinVar:

ClinVar aggregate classification (germline): Conflicting classifications of pathogenicity. Review status: criteria provided, conflicting classifications (1 of 4 stars). 3 submissions from 3 submitters: Uncertain significance (2); Likely benign (1). Last evaluated 2025-11-08.

Conditions:
Lynch syndrome 5 (LYNCH5). Also called: Hereditary non-polyposis colorectal cancer, type 5; Colorectal cancer, hereditary nonpolyposis, type 5. Identifiers: Orphanet 144, MedGen C1833477, MONDO:0013710, OMIM 614350. Disease mechanism: loss of function.
Hereditary nonpolyposis colorectal neoplasms. Identifiers: MedGen C0009405, MeSH D003123.
Hereditary cancer-predisposing syndrome. Also called: Tumor predisposition; Neoplastic Syndromes, Hereditary; Hereditary Cancer Syndrome; Hereditary neoplastic syndrome. Identifiers: Orphanet 140162, MedGen C0027672, MeSH D009386, MONDO:0015356.

Allele frequency attached by ClinVar (database versions not stated): gnomAD exomes below 0.00001; ExAC 0.00001.
gnomAD v4.1: 2 of 1,614,174 alleles (0.00012%); highest among the groups gnomAD compares: Non-Finnish European, 0.00017%; no homozygotes.

Submissions (3):

Ambry Genetics
Classification: Uncertain significance for Hereditary cancer-predisposing syndrome. Last evaluated: 2025-11-08. Review status: criteria provided, single submitter. Criteria: Ambry Variant Classification Scheme 2023. Collection method: clinical testing. Allele origin: germline.
Comment: The p.H766Q variant (also known as c.2298T>G), located in coding exon 4 of the MSH6 gene, results from a T to G substitution at nucleotide position 2298. The histidine at codon 766 is replaced by glutamine, an amino acid with highly similar properties. This amino acid position is conserved. In addition, this alteration is predicted to be tolerated by in silico analysis. Based on the available evidence, the clinical significance of this variant remains unclear.

Labcorp Genetics (formerly Invitae), Labcorp
Classification: Likely benign for Hereditary nonpolyposis colorectal neoplasms. Last evaluated: 2025-10-11. Review status: criteria provided, single submitter. Criteria: Invitae Variant Classification Sherloc (09022015). Collection method: clinical testing. Allele origin: germline.

Mendelics
Classification: Uncertain significance for Lynch syndrome 5. Last evaluated: 2019-05-28. Review status: criteria provided, single submitter. Criteria: Mendelics Assertion Criteria 2017. Collection method: clinical testing. Allele origin: unknown.

NM_000179.3(MSH6):c.2298T>G (p.His766Gln)

Gene: MSH6 (mutS homolog 6; plus strand). Cytogenetic location: 2p16.3.
Variant type: single nucleotide variant.
Coding change: c.2298T>G on transcript NM_000179.3 (MANE Select); coding-DNA position 2298, T replaced by G.
Protein change: p.His766Gln; replaces histidine 766 with glutamine.
Molecular consequence: missense variant.
Genome position (GRCh38, 1-based): chr2:47,800,281, T>G. VCF-style: chr2-47800281-T-G. GRCh37 (hg19) VCF-style: chr2-48027420-T-G.
Other names: c.1908T>G, p.His636Gln (NM_001281492.2); c.1392T>G, p.His464Gln (NM_001281493.2, NM_001281494.2); c.2298T>G (NM_000179.2); short protein forms H464Q, H766Q, H636Q.
Identifiers: ClinVar variation 801698 (VCV000801698.11), dbSNP rs768535330, ClinGen allele CA068773.